The following is an entry in ClinVar:

NM_018051.5(DYNC2I1):c.829G>T (p.Asp277Tyr)

Gene: DYNC2I1 (dynein 2 intermediate chain 1; plus strand). Cytogenetic location: 7q36.3.
Variant type: single nucleotide variant.
Coding change: c.829G>T on transcript NM_018051.5 (MANE Select); coding-DNA position 829, G replaced by T.
Protein change: p.Asp277Tyr; replaces aspartic acid 277 with tyrosine.
Molecular consequence: missense variant. On other transcripts: 5 prime UTR variant (3).
Genome position (GRCh38, 1-based): chr7:158,879,939, G>T. VCF-style: chr7-158879939-G-T. GRCh37 (hg19) VCF-style: chr7-158672630-G-T.
Other names: c.691G>T, p.Asp231Tyr (NM_001350914.2); c.312G>T, p.Trp104Cys (NM_001350915.2); c.-530G>T (NM_001350916.2); c.-538G>T (NM_001350917.2); c.-657G>T (NM_001350918.2); short protein forms D231Y, D277Y, W104C.
Identifiers: ClinVar variation 1680653 (VCV001680653.6), dbSNP rs2129478814, ClinGen allele CA370180800.

ClinVar aggregate classification (germline): Uncertain significance (1 of 4 stars; one submission).

Conditions:
Short-rib thoracic dysplasia 8 with or without polydactyly (SRTD8). Also called: SHORT-RIB THORACIC DYSPLASIA 8 WITH POLYDACTYLY. Identifiers: Orphanet 93271, MedGen C3809691, MONDO:0014214, OMIM 615503.

Allele frequency attached by ClinVar (database versions not stated): gnomAD exomes below 0.00001.
gnomAD v4.1: 1 of 1,606,126 alleles (0.000062%); highest among the groups gnomAD compares: South Asian, 0.0011%; no homozygotes.

Submission:

Labcorp Genetics (formerly Invitae), Labcorp
Classification: Uncertain significance for Short-rib thoracic dysplasia 8 with or without polydactyly. Last evaluated: 2022-07-06. Review status: criteria provided, single submitter. Criteria: Invitae Variant Classification Sherloc (09022015). Collection method: clinical testing. Allele origin: germline.
Comment: In summary, the available evidence is currently insufficient to determine the role of this variant in disease. Therefore, it has been classified as a Variant of Uncertain Significance. Algorithms developed to predict the effect of missense changes on protein structure and function are either unavailable or do not agree on the potential impact of this missense change (SIFT: "Deleterious"; PolyPhen-2: "Probably Damaging"; Align-GVGD: "Class C0"). ClinVar contains an entry for this variant (Variation ID: 1680653). This variant has not been reported in the literature in individuals affected with WDR60-related conditions. This variant is not present in population databases (gnomAD no frequency). This sequence change replaces aspartic acid, which is acidic and polar, with tyrosine, which is neutral and polar, at codon 277 of the WDR60 protein (p.Asp277Tyr).